The following is an entry in ClinVar:

NM_000054.7(AVPR2):c.191GGCGGGGCC[1] (p.64RRG[1])

Gene: AVPR2 (arginine vasopressin receptor 2; plus strand). Cytogenetic location: Xq28.
Variant type: Microsatellite.
Coding change: c.191GGCGGGGCC[1] on transcript NM_000054.7 (MANE Select); one copy of the 9-base unit GGCGGGGCC starting at c.191; the reference has two copies in a row; one copy, 9 bases deleted; also written c.200_208del.
Protein change: p.64RRG[1].
Molecular consequence: inframe deletion.
Genome position (GRCh38, 1-based): chrX:153,905,706-153,905,714, GGCGGGGCC deleted; deleting any 9 consecutive bases within chrX:153,905,696-153,905,714 gives the same sequence; the position shown is the placement nearest the transcript's 3' end. VCF-style (leftmost placement, unchanged base first): chrX-153905695-TCGGCGGGGC-T. GRCh37 (hg19) VCF-style: chrX-153171149-TCGGCGGGGC-T.
Other names: c.191GGCGGGGCC[1], p.64RRG[1] (NM_001146151.3); c.200_208del (NM_000054.6).
Identifiers: ClinVar variation 804118 (VCV000804118.5), dbSNP rs782292545, ClinGen allele CA10554967.
Genomic context (GRCh38, chrX:153,905,695, plus strand): 5'-GCTCTCCATAGTCTTTGTGGCTGTGGCCCTGAGCAATGGCCTGGTGCTGGCGGCCCTAGC[TCGGCGGGGC>T]CGGCGGGGCCACTGGGCACCCATACACGTCTTCATTGGCCACTTGTGCCTGGCCGACCTG-3'

ClinVar aggregate classification (germline): Conflicting classifications of pathogenicity. Review status: criteria provided, conflicting classifications (1 of 4 stars). 4 submissions from 4 submitters: Uncertain significance (3); Likely benign (1). Last evaluated 2024-02-24.

Conditions:
Diabetes insipidus, nephrogenic, X-linked. Also called: Nephrogenic Diabetes Insipidus, Type I. Identifiers: Orphanet 223, MedGen C1563705, MONDO:0010581, OMIM 304800.
Nephrogenic syndrome of inappropriate antidiuresis (NSIAD). Identifiers: Orphanet 93606, MedGen C1845202, MONDO:0010356, OMIM 300539.

Submissions (4):

Fulgent Genetics
Classification: Uncertain significance for Nephrogenic syndrome of inappropriate antidiuresis; Diabetes insipidus, nephrogenic, X-linked. Last evaluated: 2024-02-24. Review status: criteria provided, single submitter. Criteria: ACMG Guidelines, 2015. Collection method: clinical testing. Allele origin: germline.

Labcorp Genetics (formerly Invitae), Labcorp
Classification: Uncertain significance. Last evaluated: 2022-03-15. Review status: criteria provided, single submitter. Criteria: Invitae Variant Classification Sherloc (09022015). Collection method: clinical testing. Allele origin: germline.
Comment: This variant, c.200_208del, results in the deletion of 3 amino acid(s) of the AVPR2 protein (p.Arg67_Gly69del), but otherwise preserves the integrity of the reading frame. This variant is present in population databases (rs782292545, gnomAD 0.02%). This variant has been observed in individual(s) with nephrogenic diabetes insipidus (PMID: 22644838). This variant is also known as 271del9 or ùùôR67-G69. Algorithms developed to predict the effect of variants on protein structure and function are not available or were not evaluated for this variant. Experimental studies are conflicting or provide insufficient evidence to determine the effect of this variant on AVPR2 function (PMID: 29117938). In summary, the available evidence is currently insufficient to determine the role of this variant in disease. Therefore, it has been classified as a Variant of Uncertain Significance.

Women's Health and Genetics/Laboratory Corporation of America, LabCorp
Classification: Likely benign. Last evaluated: 2022-03-02. Review status: criteria provided, single submitter. Criteria: LabCorp Variant Classification Summary - May 2015. Collection method: clinical testing. Allele origin: germline.
Comment: Variant summary: AVPR2 c.200_208delGGCGGGGCC (p.Arg67_Gly69del) results in an in-frame deletion that is predicted to remove three amino acids from the GPCR, rhodopsin-like, 7-transmembrane domain (IPR017452) of the encoded protein. The variant allele was found at a frequency of 7e-05 in 283882 control chromosomes, including 8 hemizygotes (gnomAD v2.1 and 3.1 (non-v2) datasets). The variant, c.200_208del, has been reported in the literature in one hemizygote, who was affected with Nephrogenic Diabetes Insipidus (Duzenli_2012), however this patient also carried variant c.319G>T (p.Gly107Trp) in cis. A later publication reported experimental evidence evaluating an impact on protein function, and tested both variants alone and in combination, demonstrating that although the delR67-G69 variant showed ~60% of the WT AVPR2 cell surface expression, the functional properties (Emax and EC50) were comparable to the WT; on the other hand G107W also had a slightly decreased surface expression (77%), together with a decreased Emax (70%), however it resulted in a ~100-fold higher EC50 value compared to WT; finally the two variants in cis resulted in a somewhat decreased (~68%) surface expression, however, the EC50-value and Emax-values could not be calculated because no saturation concentration could be achieved in vitro with the ligand (Erdem_2018). One clinical diagnostic laboratory has submitted clinical-significance assessments for this variant to ClinVar after 2014 without evidence for independent evaluation, and classified the variant as uncertain significance. In summary, based on the evidence outlined above, although this variant could contribute to the functional effect of another variant carried in cis, in itself it is unlikely to cause a clinical phenotype, therefore it was classified as likely benign.

Mendelics
Classification: Uncertain significance for Diabetes insipidus, nephrogenic, X-linked. Last evaluated: 2019-05-28. Review status: criteria provided, single submitter. Criteria: Mendelics Assertion Criteria 2017. Collection method: clinical testing. Allele origin: unknown.

Literature cited by the submitters: PubMed 22644838 (cited by Labcorp Genetics (formerly Invitae), Labcorp and Women's Health and Genetics/Laboratory Corporation of America, LabCorp); PubMed 29117938 (cited by Labcorp Genetics (formerly Invitae), Labcorp and Women's Health and Genetics/Laboratory Corporation of America, LabCorp); PubMed 34426522 (cited by Women's Health and Genetics/Laboratory Corporation of America, LabCorp).